The following is an entry in ClinVar:

ClinVar aggregate classification (germline): Uncertain significance (1 of 4 stars; one submission).

Conditions:
Combined immunodeficiency due to ZAP70 deficiency (IMD48). Also called: ZAP70 Deficiency; Immunodeficiency 48. Identifiers: Orphanet 911, MedGen C2931299, MONDO:0010023, OMIM 269840.

Submission:

Labcorp Genetics (formerly Invitae), Labcorp
Classification: Uncertain significance for Combined immunodeficiency due to ZAP70 deficiency. Last evaluated: 2021-08-27. Review status: criteria provided, single submitter. Criteria: Invitae Variant Classification Sherloc (09022015). Collection method: clinical testing. Allele origin: germline.
Comment: In summary, the available evidence is currently insufficient to determine the role of this variant in disease. Therefore, it has been classified as a Variant of Uncertain Significance. Algorithms developed to predict the effect of missense changes on protein structure and function are either unavailable or do not agree on the potential impact of this missense change (SIFT: "Not Available"; PolyPhen-2: "Benign"; Align-GVGD: "Not Available"). This variant has not been reported in the literature in individuals affected with ZAP70-related conditions. This variant is not present in population databases (ExAC no frequency). This sequence change replaces alanine with glycine at codon 407 of the ZAP70 protein (p.Ala407Gly). The alanine residue is highly conserved and there is a small physicochemical difference between alanine and glycine.

NM_001079.4(ZAP70):c.1220C>G (p.Ala407Gly)

Gene: ZAP70 (zeta chain of T cell receptor associated protein kinase 70; plus strand). Cytogenetic location: 2q11.2.
Variant type: single nucleotide variant.
Coding change: c.1220C>G on transcript NM_001079.4 (MANE Select); coding-DNA position 1220, C replaced by G.
Protein change: p.Ala407Gly; replaces alanine 407 with glycine.
Molecular consequence: missense variant.
Genome position (GRCh38, 1-based): chr2:97,735,387, C>G. VCF-style: chr2-97735387-C-G. GRCh37 (hg19) VCF-style: chr2-98351850-C-G.
Other names: c.1220C>G, p.Ala407Gly (NM_001378594.1); c.299C>G, p.Ala100Gly (NM_207519.2); short protein forms A100G, A407G.
Identifiers: ClinVar variation 1491795 (VCV001491795.6), dbSNP rs2104696948, ClinGen allele CA347801909.